The following is an entry in ClinVar:

NM_003119.4(SPG7):c.1012G>T (p.Gly338Cys)

Gene: SPG7 (SPG7 matrix AAA peptidase subunit, paraplegin; plus strand). Cytogenetic location: 16q24.3.
Variant type: single nucleotide variant.
Coding change: c.1012G>T on transcript NM_003119.4 (MANE Select); coding-DNA position 1012, G replaced by T.
Protein change: p.Gly338Cys; replaces glycine 338 with cysteine.
Molecular consequence: missense variant.
Genome position (GRCh38, 1-based): chr16:89,531,928, G>T. VCF-style: chr16-89531928-G-T. GRCh37 (hg19) VCF-style: chr16-89598336-G-T.
Other names: c.1012G>T (NM_003119.2); c.1012G>T, p.Gly338Cys (NM_001363850.1, NM_199367.3); short protein forms G338C.
Identifiers: ClinVar variation 1984208 (VCV001984208.4), dbSNP rs1304316127, ClinGen allele CA397419788.
Genomic context (GRCh38, chr16:89,531,928, plus strand): 5'-CAAGTAGTTAGTGTTGCATTGTCTGCTGCCGTCCAGAGCCCAGAACGCTTCCTCCAGCTT[G>T]GCGCCAAGGTCCCAAAGGGCGCACTGCTGCTCGGCCCCCCCGGCTGTGGGAAGACGCTGC-3'
Protein context (NP_003110.1, residues 328-348): LKSPERFLQL[Gly338Cys]AKVPKGALLL

ClinVar aggregate classification (germline): Uncertain significance. Review status: criteria provided, multiple submitters, no conflicts (2 of 4 stars). 2 submissions from 2 submitters: Uncertain significance (2). Last evaluated 2024-12-17.

Conditions:
Hereditary spastic paraplegia 7 (SPG7). Also called: SPG7-related neurologic disorder; Autosomal recessive spastic paraplegia type 7; Spastic paraplegia 7; Hereditary spastic paraplegia Paraplegin type; SPASTIC PARAPLEGIA 7, AUTOSOMAL RECESSIVE, WITH OR WITHOUT CEREBELLAR ATAXIA. Identifiers: Orphanet 99013, MedGen C1846564, MONDO:0011803, OMIM 607259.
Inborn genetic diseases. Identifiers: MedGen C0950123, MeSH D030342.

Allele frequency attached by ClinVar (database versions not stated): gnomAD exomes 0.00002; TOPMed 0.00008.
gnomAD v4.1: 26 of 1,614,014 alleles (0.0016%); highest among the groups gnomAD compares: Admixed American, 0.043%; no homozygotes.

Submissions (2):

Labcorp Genetics (formerly Invitae), Labcorp
Classification: Uncertain significance for Hereditary spastic paraplegia 7. Last evaluated: 2024-12-17. Review status: criteria provided, single submitter. Criteria: Invitae Variant Classification Sherloc (09022015). Collection method: clinical testing. Allele origin: germline.
Comment: This sequence change replaces glycine, which is neutral and non-polar, with cysteine, which is neutral and slightly polar, at codon 338 of the SPG7 protein (p.Gly338Cys). This variant is present in population databases (no rsID available, gnomAD 0.03%). This variant has not been reported in the literature in individuals affected with SPG7-related conditions. ClinVar contains an entry for this variant (Variation ID: 1984208). Invitae Evidence Modeling of protein sequence and biophysical properties (such as structural, functional, and spatial information, amino acid conservation, physicochemical variation, residue mobility, and thermodynamic stability) indicates that this missense variant is expected to disrupt SPG7 protein function with a positive predictive value of 80%. In summary, the available evidence is currently insufficient to determine the role of this variant in disease. Therefore, it has been classified as a Variant of Uncertain Significance.

Ambry Genetics
Classification: Uncertain significance for Inborn genetic diseases. Last evaluated: 2024-03-07. Review status: criteria provided, single submitter. Criteria: Ambry Variant Classification Scheme 2023. Collection method: clinical testing. Allele origin: germline.